The following is an entry in ClinVar:

NM_007272.3(CTRC):c.169C>T (p.His57Tyr)

Gene: CTRC (chymotrypsin C; plus strand). Cytogenetic location: 1p36.21.
Variant type: single nucleotide variant.
Coding change: c.169C>T on transcript NM_007272.3 (MANE Select); coding-DNA position 169, C replaced by T.
Protein change: p.His57Tyr; replaces histidine 57 with tyrosine.
Molecular consequence: missense variant.
Genome position (GRCh38, 1-based): chr1:15,440,529, C>T. VCF-style: chr1-15440529-C-T. GRCh37 (hg19) VCF-style: chr1-15767025-C-T.
Other names: short protein forms H57Y.
Identifiers: ClinVar variation 3226053 (VCV003226053.1), dbSNP rs1363072917, ClinGen allele CA338565020.

ClinVar aggregate classification (germline): Uncertain significance (1 of 4 stars; one submission).

Conditions:
Hereditary pancreatitis (PCTT). Also called: Hereditary chronic pancreatitis; PRSS1-Related Hereditary Pancreatitis. Identifiers: Orphanet 676, MedGen C0238339, MONDO:0008185, OMIM 167800.

Allele frequency attached by ClinVar (database versions not stated): TOPMed below 0.00001.

Submission:

Ambry Genetics
Classification: Uncertain significance for Hereditary pancreatitis. Last evaluated: 2024-01-09. Review status: criteria provided, single submitter. Criteria: Ambry Variant Classification Scheme 2023. Collection method: clinical testing. Allele origin: germline.
Comment: The p.H57Y variant (also known as c.169C>T), located in coding exon 3 of the CTRC gene, results from a C to T substitution at nucleotide position 169. The histidine at codon 57 is replaced by tyrosine, an amino acid with similar properties. This amino acid position is conserved. In addition, this alteration is predicted to be deleterious by in silico analysis. Since supporting evidence is limited at this time, the clinical significance of this alteration remains unclear.